The following is an entry in ClinVar:

NM_001371279.1(REEP1):c.304G>A (p.Glu102Lys)

Gene: REEP1 (receptor accessory protein 1; minus strand). Cytogenetic location: 2p11.2.
Variant type: single nucleotide variant.
Coding change: c.304G>A on transcript NM_001371279.1 (MANE Select); coding-DNA position 304, G replaced by A.
Protein change: p.Glu102Lys; replaces glutamic acid 102 with lysine.
Molecular consequence: missense variant. On other transcripts: intron variant (1).
Genome position (GRCh38, 1-based): chr2:86,252,070, C>T on the plus strand (G>A on the coding strand, the complement: REEP1 is on the minus strand). VCF-style: chr2-86252070-C-T. GRCh37 (hg19) VCF-style: chr2-86479193-C-T.
Other names: c.325G>A, p.Glu109Lys (NM_001164730.2); c.223G>A, p.Glu75Lys (NM_001164731.2); c.304G>A, p.Glu102Lys (NM_001371280.1, NM_001410855.1, NM_001410856.1 and 1 more transcripts); c.182+11895G>A (NM_001164732.2); short protein forms E109K, E75K, E102K.
Identifiers: ClinVar variation 2719827 (VCV002719827.3), dbSNP rs2468827825, ClinGen allele CA347716599.
Genomic context (GRCh38, chr2:86,252,070, plus strand): 5'-CGAAGTGCACAAGGGCATCGTAACTTCGGTCTTTTGCTTGGACCAGACAATCATCGATTT[C>T]CTGTCAAAGGAAAAACAGAGGCACACTGAGCTGGAAGGTTCAAACACATCTCTGTTTTCT-3'
Protein context (NP_001358208.1, residues 92-112): VHPTLSSKEK[Glu102Lys]IDDCLVQAKD

ClinVar aggregate classification (germline): Uncertain significance (1 of 4 stars; one submission).

Conditions:
Hereditary spastic paraplegia 31. Also called: SPASTIC PARAPLEGIA 31, AUTOSOMAL DOMINANT. Identifiers: Orphanet 101011, MedGen C1853247, MONDO:0012453, OMIM 610250.

Allele frequency attached by ClinVar (database versions not stated): gnomAD exomes below 0.00001.
gnomAD v4.1: 3 of 1,608,518 alleles (0.00019%); highest among the groups gnomAD compares: Non-Finnish European, 0.00026%; no homozygotes.

Submission:

Labcorp Genetics (formerly Invitae), Labcorp
Classification: Uncertain significance for Hereditary spastic paraplegia 31. Last evaluated: 2023-06-22. Review status: criteria provided, single submitter. Criteria: Invitae Variant Classification Sherloc (09022015). Collection method: clinical testing. Allele origin: germline.
Comment: This sequence change replaces glutamic acid, which is acidic and polar, with lysine, which is basic and polar, at codon 102 of the REEP1 protein (p.Glu102Lys). This variant is not present in population databases (gnomAD no frequency). This variant has not been reported in the literature in individuals affected with REEP1-related conditions. An algorithm developed to predict the effect of missense changes on protein structure and function (PolyPhen-2) suggests that this variant is likely to be disruptive. In summary, the available evidence is currently insufficient to determine the role of this variant in disease. Therefore, it has been classified as a Variant of Uncertain Significance.